The following is an entry in ClinVar:

ClinVar aggregate classification (germline): Uncertain significance. Review status: criteria provided, multiple submitters, no conflicts (2 of 4 stars). 2 submissions from 2 submitters: Uncertain significance (2). Last evaluated 2025-07-15.

Conditions:
Cardiovascular phenotype. Identifiers: MedGen CN230736.

Allele frequency attached by ClinVar (database versions not stated): TOPMed below 0.00001.

Submissions (2):

GeneDx
Classification: Uncertain significance. Last evaluated: 2025-07-15. Review status: criteria provided, single submitter. Criteria: GeneDx Variant Classification Process June 2021. Collection method: clinical testing. Allele origin: germline. Affected: yes.
Comment: Identified in a patient with HCM who also harbors additional cardiogenetic variants (PMID: 28771489); Not observed at significant frequency in large population cohorts (gnomAD); In silico analysis suggests that this missense variant does not alter protein structure/function; This variant is associated with the following publications: (PMID: 28771489)

Ambry Genetics
Classification: Uncertain significance for Cardiovascular phenotype. Last evaluated: 2020-01-03. Review status: criteria provided, single submitter. Criteria: Ambry Variant Classification Scheme 2023. Collection method: clinical testing. Allele origin: germline.
Comment: The p.I534V variant (also known as c.1600A>G), located in coding exon 13 of the MYH6 gene, results from an A to G substitution at nucleotide position 1600. The isoleucine at codon 534 is replaced by valine, an amino acid with highly similar properties. This variant co-occurred with variants in other cardiac-related genes in an individual from a hypertrophic cardiomyopathy cohort (Mademont-Soler I. PLoS ONE. 2017 Aug;12(8):e0181465). This amino acid position is highly conserved in available vertebrate species. In addition, the in silico prediction for this alteration is inconclusive. Since supporting evidence is limited at this time, the clinical significance of this alteration remains unclear.

Literature cited by the submitters: PubMed 28771489 (cited by Ambry Genetics).

NM_002471.4(MYH6):c.1600A>G (p.Ile534Val)

Gene: MYH6 (myosin heavy chain 6; minus strand). Cytogenetic location: 14q11.2.
Variant type: single nucleotide variant.
Coding change: c.1600A>G on transcript NM_002471.4 (MANE Select); coding-DNA position 1600, A replaced by G.
Protein change: p.Ile534Val; replaces isoleucine 534 with valine.
Molecular consequence: missense variant.
Genome position (GRCh38, 1-based): chr14:23,399,019, T>C on the plus strand (A>G on the coding strand, the complement: MYH6 is on the minus strand). VCF-style: chr14-23399019-T-C. GRCh37 (hg19) VCF-style: chr14-23868228-T-C.
Other names: short protein forms I534V.
Identifiers: ClinVar variation 1776167 (VCV001776167.3), dbSNP rs1891518015, ClinGen allele CA389021107.